The following is an entry in ClinVar:

NM_006767.4(LZTR1):c.633G>A (p.Glu211=)

Gene: LZTR1 (leucine zipper like post translational regulator 1; plus strand). Cytogenetic location: 22q11.21.
Variant type: single nucleotide variant.
Coding change: c.633G>A on transcript NM_006767.4 (MANE Select); coding-DNA position 633, G replaced by A.
Protein change: p.Glu211=; no amino-acid change (glutamic acid 211 retained).
Molecular consequence: synonymous variant.
Genome position (GRCh38, 1-based): chr22:20,989,664, G>A. VCF-style: chr22-20989664-G-A. GRCh37 (hg19) VCF-style: chr22-21343953-G-A.
Other names: c.633G>A (NM_006767.3).
Identifiers: ClinVar variation 1942470 (VCV001942470.7), dbSNP rs1924524661, ClinGen allele CA513489906.

ClinVar aggregate classification (germline): Likely benign. Review status: criteria provided, multiple submitters, no conflicts (2 of 4 stars). 3 submissions from 3 submitters: Likely benign (3). Last evaluated 2026-10-01.

Conditions:
Hereditary cancer-predisposing syndrome. Also called: Hereditary neoplastic syndrome; Neoplastic Syndromes, Hereditary; Tumor predisposition; Hereditary Cancer Syndrome. Identifiers: Orphanet 140162, MedGen C0027672, MeSH D009386, MONDO:0015356.
Cardiovascular phenotype. Identifiers: MedGen CN230736.

Allele frequency attached by ClinVar (database versions not stated): gnomAD exomes below 0.00001.
gnomAD v4.1: 1 of 1,612,716 alleles (0.000062%); highest among the groups gnomAD compares: African/African-American, 0.0013%; no homozygotes.

Submissions (3):

CeGaT Center for Human Genetics Tuebingen
Classification: Likely benign. Last evaluated: 2026-10-01. Review status: criteria provided, single submitter. Criteria: CeGaT Center For Human Genetics Tuebingen Variant Classification Criteria Version 2. Collection method: clinical testing. Allele origin: germline. Affected: yes. Observed: 1 variant allele.
Comment: LZTR1: BP4, BP7

Labcorp Genetics (formerly Invitae), Labcorp
Classification: Likely benign. Last evaluated: 2025-12-15. Review status: criteria provided, single submitter. Criteria: Invitae Variant Classification Sherloc (09022015). Collection method: clinical testing. Allele origin: germline.

Ambry Genetics
Classification: Likely benign for Cardiovascular phenotype; Hereditary cancer-predisposing syndrome. Last evaluated: 2023-09-22. Review status: criteria provided, single submitter. Criteria: Ambry Variant Classification Scheme 2023. Collection method: clinical testing. Allele origin: germline.